The following is an entry in ClinVar:

NM_002641.4(PIGA):c.881A>G (p.Asp294Gly)

Gene: PIGA (phosphatidylinositol glycan anchor biosynthesis class A; minus strand). Cytogenetic location: Xp22.2.
Variant type: single nucleotide variant.
Coding change: c.881A>G on transcript NM_002641.4 (MANE Select); coding-DNA position 881, A replaced by G.
Protein change: p.Asp294Gly; replaces aspartic acid 294 with glycine.
Molecular consequence: missense variant. On other transcripts: non-coding transcript variant (2).
Genome position (GRCh38, 1-based): chrX:15,325,120, T>C on the plus strand (A>G on the coding strand, the complement: PIGA is on the minus strand). VCF-style: chrX-15325120-T-C. GRCh37 (hg19) VCF-style: chrX-15343242-T-C.
Other names: c.179A>G, p.Asp60Gly (NM_020473.3); short protein forms D294G, D60G.
Identifiers: ClinVar variation 4071845 (VCV004071845.1).

ClinVar aggregate classification (germline): Uncertain significance (1 of 4 stars; one submission).

Submission:

GeneDx
Classification: Uncertain significance. Last evaluated: 2025-01-27. Review status: criteria provided, single submitter. Criteria: GeneDx Variant Classification Process June 2021. Collection method: clinical testing. Allele origin: germline. Affected: yes.
Comment: Not observed at significant frequency in large population cohorts (gnomAD); In silico analysis supports that this missense variant has a deleterious effect on protein structure/function; In silico analysis is inconclusive as to whether the variant alters gene splicing. In the absence of RNA/functional studies, the actual effect of this sequence change is unknown.; Has not been previously published as pathogenic or benign to our knowledge